The following is an entry in ClinVar:

NM_000094.4(COL7A1):c.1637-1G>A

Gene: COL7A1 (collagen type VII alpha 1 chain; minus strand). Cytogenetic location: 3p21.31.
Variant type: single nucleotide variant.
Coding change: c.1637-1G>A on transcript NM_000094.4 (MANE Select); the canonical splice acceptor site of the intron before coding-DNA position 1637, G replaced by A.
Molecular consequence: splice acceptor variant.
Genome position (GRCh38, 1-based): chr3:48,590,817, C>T on the plus strand (G>A on the coding strand, the complement: COL7A1 is on the minus strand). VCF-style: chr3-48590817-C-T. GRCh37 (hg19) VCF-style: chr3-48628250-C-T.
Identifiers: ClinVar variation 345869 (VCV000345869.17), dbSNP rs886058642, ClinGen allele CA10619016.

ClinVar aggregate classification (germline): Pathogenic/Likely pathogenic. Review status: criteria provided, multiple submitters, no conflicts (2 of 4 stars). 6 submissions from 6 submitters: Pathogenic (3); Likely pathogenic (2). 1 of the submissions does not count toward it. Last evaluated 2025-11-05.

Conditions:
Epidermolysis bullosa dystrophica. Also called: Dystrophic epidermolysis bullosa, Hallopeau-Siemens type (formerly); Dystrophic epidermolysis bullosa. Identifiers: Orphanet 303, MedGen C0079294, MONDO:0006543.
COL7A1-related disorder. Also called: COL7A1- related disorders; COL7A1-related condition.
Transient bullous dermolysis of the newborn (TBDN). Also called: DYSTROPHIC EPIDERMOLYSIS BULLOSA, NEONATAL; EPIDERMOLYSIS BULLOSA DYSTROPHICA, NEONATAL FORM. Identifiers: Orphanet 79411, MedGen C1851573, MONDO:0007548, OMIM 131705.
Nonsyndromic congenital nail disorder 8. Also called: TOENAIL DYSTROPHY, ISOLATED. Identifiers: MedGen C1843761, MONDO:0011852, OMIM 607523.
Generalized dominant dystrophic epidermolysis bullosa (DDEB). Also called: Dominant DEB (DDEB); DDEB, generalized; DDEB-gen; DYSTROPHIC EPIDERMOLYSIS BULLOSA, AUTOSOMAL DOMINANT; Epidermolysis bullosa dystrophica, autosomal dominant. Identifiers: Orphanet 231568, MedGen C0432322, MONDO:0007549, OMIM 131750.
Recessive dystrophic epidermolysis bullosa (RDEB). Also called: Recessive DEB (RDEB); DYSTROPHIC EPIDERMOLYSIS BULLOSA, AUTOSOMAL RECESSIVE; EPIDERMOLYSIS BULLOSA DYSTROPHICA, HALLOPEAU-SIEMENS TYPE; EPIDERMOLYSIS BULLOSA DYSTROPHICA, GENERALIZED SEVERE, AUTOSOMAL RECESSIVE; Hallopeau-Siemens Disease; Epidermolysis Bullosa Distrophica Autosomal Recessive (RDEB). Identifiers: Orphanet 79408, Orphanet 79409, MedGen C0079474, MONDO:0009179, OMIM 226600.
Pretibial dystrophic epidermolysis bullosa. Also called: EPIDERMOLYSIS BULLOSA DYSTROPHICA, PRETIBIAL; Pretibial epidermolysis bullosa; Pretibial blistering. Identifiers: Orphanet 79410, MedGen C0432321, MONDO:0007552, OMIM 131850, HP:0012221.
Dominant dystrophic epidermolysis bullosa with absence of skin. Also called: EPIDERMOLYSIS BULLOSA WITH CONGENITAL LOCALIZED ABSENCE OF SKIN AND DEFORMITY OF NAILS; EPIDERMOLYSIS BULLOSA DYSTROPHICA, BART TYPE. Identifiers: MedGen C0268371, MONDO:0007557, OMIM 132000.
Epidermolysis bullosa pruriginosa. Also called: DEB, PRURIGINOSA; DYSTROPHIC EPIDERMOLYSIS BULLOSA PRURIGINOSA. Identifiers: Orphanet 89843, MedGen C1275114, MONDO:0011398, OMIM 604129.

Allele frequency attached by ClinVar (database versions not stated): gnomAD exomes below 0.00001; TOPMed below 0.00001.
gnomAD v4.1: 1 of 1,612,926 alleles (0.000062%); highest among the groups gnomAD compares: Non-Finnish European, 0.000085%; no homozygotes.

Submissions (6):

Labcorp Genetics (formerly Invitae), Labcorp
Classification: Pathogenic. Last evaluated: 2025-11-05. Review status: criteria provided, single submitter. Criteria: Invitae Variant Classification Sherloc (09022015). Collection method: clinical testing. Allele origin: germline.
Comment: This sequence change affects an acceptor splice site in intron 12 of the COL7A1 gene. It is expected to disrupt RNA splicing. Variants that disrupt the donor or acceptor splice site typically lead to a loss of protein function (PMID: 16199547), and loss-of-function variants in COL7A1 are known to be pathogenic (PMID: 16971478). This variant is not present in population databases (gnomAD no frequency). Disruption of this splice site has been observed in individuals with clinical features of autosomal recessive epidermolysis bullosa (PMID: 10504458, 12813757). ClinVar contains an entry for this variant (Variation ID: 345869). Algorithms developed to predict the effect of sequence changes on RNA splicing suggest that this variant may disrupt the consensus splice site. For these reasons, this variant has been classified as Pathogenic.

Natera, Inc.
Classification: Likely pathogenic for Dystrophic epidermolysis bullosa. Last evaluated: 2025-09-30. Review status: criteria provided, single submitter. Criteria: Natera Variant Classification Schema (03/2026). Collection method: clinical testing. Allele origin: germline.
Comment: The c.1637-1G>A variant in COL7A1 is a canonical splice acceptor site variant predicted to affect pre-mRNA splicing, which may result in an abnormal transcript and altered protein product. This variant may result in a truncated or dysfunctional protein product. This variant is rare in the general population with a frequency below the threshold expected for the associated phenotype(s). This variant has been observed in one or more individuals affected with the associated recessive disease, as either homozygous or compound heterozygous with a second variant (PMID: 10504458, 35347281, 12813757). Given the available evidence, this variant is classified as Likely Pathogenic.

GeneDx
Classification: Pathogenic. Last evaluated: 2022-12-19. Review status: criteria provided, single submitter. Criteria: GeneDx Variant Classification Process June 2021. Collection method: clinical testing. Allele origin: germline. Affected: yes.
Comment: Canonical splice site variant predicted to result in a null allele in a gene for which loss of function is a known mechanism of disease; Not observed at significant frequency in large population cohorts (gnomAD); This variant is associated with the following publications: (PMID: 10504458, 25525159, 12813757)

Fulgent Genetics
Classification: Pathogenic for Transient bullous dermolysis of the newborn; Generalized dominant dystrophic epidermolysis bullosa; Pretibial dystrophic epidermolysis bullosa; Dominant dystrophic epidermolysis bullosa with absence of skin; Recessive dystrophic epidermolysis bullosa; Epidermolysis bullosa pruriginosa; Nonsyndromic congenital nail disorder 8. Last evaluated: 2018-10-31. Review status: criteria provided, single submitter. Criteria: ACMG Guidelines, 2015. Collection method: clinical testing. Allele origin: unknown.

Illumina Laboratory Services, Illumina
Classification: Likely pathogenic for Dystrophic epidermolysis bullosa. Last evaluated: 2017-04-27. Review status: criteria provided, single submitter. Criteria: ICSL Variant Classification Criteria 09 May 2019. Collection method: clinical testing. Allele origin: germline.
Comment: The COL7A1 c.1637-1G>A variant occurs in a canonical splice site (acceptor) and is therefore predicted to disrupt or distort the normal gene product. The c.1637-1G>A variant has been reported in three individuals with dystrophic epidermolysis bullosa, including in one in a homozygous state, in one in a compound heterozygous state, and in at least one individual of unknown zygosity (Whittock et al. 1999; Pfendner et al. 2003; Varki et al. 2007). Control data are unavailable for the c.1637-1G>A variant, which is not found in the 1000 Genomes Project, the Exome Sequencing Project, or the Exome Aggregation Consortium. RT-PCR analysis demonstrated that the variant results in truncation of the COL7A1 protein (Whittock et al. 1999). Based on the evidence and the potential impact of splice acceptor variants, the c.1637-1G>A variant is classified as likely pathogenic for dystrophic epidermolysis bullosa. This variant was observed by ICSL as part of a predisposition screen in an ostensibly healthy population.

PreventionGenetics, part of Exact Sciences
Classification: Pathogenic for COL7A1-related condition. Last evaluated: 2024-04-15. Review status: no assertion criteria provided. Collection method: clinical testing. Allele origin: germline. Not counted in ClinVar's aggregate classification.
Comment: The COL7A1 c.1637-1G>A variant is predicted to disrupt the AG splice acceptor site and interfere with normal splicing. This variant along with a second variant in this gene was reported in an individual with dystrophic epidermolysis bullosa (Whittock et al 1999. PubMed ID: 10504458). This variant has not been reported in a large population database, indicating this variant is rare. Variants that disrupt the consensus splice acceptor site in COL7A1 are expected to be pathogenic. This variant is interpreted as pathogenic.

Literature cited by the submitters: PubMed 16199547 (cited by Labcorp Genetics (formerly Invitae), Labcorp); PubMed 16971478 (cited by Labcorp Genetics (formerly Invitae), Labcorp and Illumina Laboratory Services, Illumina); PubMed 10504458 (cited by 3 submitters); PubMed 12813757 (cited by 3 submitters); PubMed 35347281 (cited by Natera, Inc.).